The following is an entry in ClinVar:

ClinVar aggregate classification (germline): Uncertain significance (1 of 4 stars; one submission).

Submission:

Labcorp Genetics (formerly Invitae), Labcorp
Classification: Uncertain significance. Last evaluated: 2015-09-13. Review status: criteria provided, single submitter. Criteria: Invitae Variant Classification Sherloc (09022015). Collection method: clinical testing. Allele origin: germline.
Comment: This sequence change replaces asparagine with serine at codon 42 of the EPCAM protein (p.Asn42Ser). The asparagine residue is weakly conserved and there is a small physicochemical difference between asparagine and serine. This variant is not present in population databases and has not been reported in the literature. In summary, this is a novel missense change that is not predicted to affect protein function or cause disease, but is predicted to affect splicing. However the evidence is insufficient at this time to prove that conclusively. It has been classified as a Variant of Uncertain Significance. Algorithms developed to predict the effect of missense changes on protein structure and function (SIFT, PolyPhen-2, Align-GVGD) all suggest that this variant is likely to be tolerated, but these predictions have not been confirmed by published functional studies. In addition, the serine amino acid residue is found in multiple mammalian species, also suggesting that this missense change does not adversely affect protein function. However, algorithms developed to predict the effect of nucleotide changes on mRNA splicing suggest that this variant may alter mRNA splicing through a creation of novel splice site, but this prediction has not been confirmed by published transcriptional studies.

NM_002354.3(EPCAM):c.125A>G (p.Asn42Ser)

Gene: EPCAM (epithelial cell adhesion molecule; plus strand). Cytogenetic location: 2p21.
Variant type: single nucleotide variant.
Coding change: c.125A>G on transcript NM_002354.3 (MANE Select); coding-DNA position 125, A replaced by G.
Protein change: p.Asn42Ser; replaces asparagine 42 with serine.
Molecular consequence: missense variant.
Genome position (GRCh38, 1-based): chr2:47,373,511, A>G. VCF-style: chr2-47373511-A-G. GRCh37 (hg19) VCF-style: chr2-47600650-A-G.
Other names: short protein forms N42S.
Identifiers: ClinVar variation 220236 (VCV000220236.7), dbSNP rs864622433, ClinGen allele CA349414.